The following is an entry in ClinVar:

NM_015057.5(MYCBP2):c.13318C>G (p.Pro4440Ala)

Gene: MYCBP2 (MYC binding protein 2; minus strand). Cytogenetic location: 13q22.3.
Variant type: single nucleotide variant.
Coding change: c.13318C>G on transcript NM_015057.5 (MANE Select); coding-DNA position 13318, C replaced by G.
Protein change: p.Pro4440Ala; replaces proline 4440 with alanine.
Molecular consequence: missense variant.
Genome position (GRCh38, 1-based): chr13:77,058,229, G>C on the plus strand (C>G on the coding strand, the complement: MYCBP2 is on the minus strand). VCF-style: chr13-77058229-G-C. GRCh37 (hg19) VCF-style: chr13-77632364-G-C.
Other names: short protein forms P4440A.
Identifiers: ClinVar variation 3903068 (VCV003903068.1).

ClinVar aggregate classification (germline): Uncertain significance (1 of 4 stars; one submission).

Submission:

GeneDx
Classification: Uncertain significance. Last evaluated: 2024-12-12. Review status: criteria provided, single submitter. Criteria: GeneDx Variant Classification Process June 2021. Collection method: clinical testing. Allele origin: germline. Affected: yes.
Comment: Not observed at significant frequency in large population cohorts (gnomAD); In silico analysis supports that this missense variant has a deleterious effect on protein structure/function; Has not been previously published as pathogenic or benign to our knowledge